The following is an entry in ClinVar:

ClinVar aggregate classification (germline): Uncertain significance (1 of 4 stars; one submission).

Submission:

Labcorp Genetics (formerly Invitae), Labcorp
Classification: Uncertain significance. Last evaluated: 2022-06-20. Review status: criteria provided, single submitter. Criteria: Invitae Variant Classification Sherloc (09022015). Collection method: clinical testing. Allele origin: germline.
Comment: A copy number gain of the genomic region encompassing the full coding sequence of the ADD3 gene has been identified. The boundaries of this event are unknown as they extend beyond the assayed region for this gene and therefore may encompass additional genes. As the precise location of this event is unknown, it may be in tandem or it may be located elsewhere in the genome. This variant has not been reported in the literature in individuals affected with ADD3-related conditions. In summary, the available evidence is currently insufficient to determine the role of this variant in disease. Therefore, it has been classified as a Variant of Uncertain Significance.

NC_000010.10:g.(?_111860412)_(112404423_?)dup

Genes: ADD3 (adducin 3; plus strand), DUSP5 (dual specificity phosphatase 5; plus strand), MXI1 (MAX interactor 1, dimerization protein; plus strand), RBM20 (RNA binding motif protein 20; plus strand), SMC3 (structural maintenance of chromosomes 3; plus strand) and 1 more. Cytogenetic location: 10q25.1-25.2.
Variant type: Duplication.
Identifiers: ClinVar variation 1450697 (VCV001450697.4).